The following is an entry in ClinVar:

NC_000010.10:g.(?_28101421)_(28101574_?)dup

Gene: ODAD2 (outer dynein arm docking complex subunit 2; minus strand). Cytogenetic location: 10p12.1.
Variant type: Duplication.
Identifiers: ClinVar variation 1023712 (VCV001023712.5).

ClinVar aggregate classification (germline): Uncertain significance (1 of 4 stars; one submission).

Conditions:
Primary ciliary dyskinesia 23 (CILD23). Also called: CILIARY DYSKINESIA, PRIMARY, 23, WITH OR WITHOUT SITUS INVERSUS. Identifiers: Orphanet 244, MedGen C3809548, MONDO:0014193, OMIM 615451.

Submission:

Labcorp Genetics (formerly Invitae), Labcorp
Classification: Uncertain significance for Primary ciliary dyskinesia 23. Last evaluated: 2020-10-14. Review status: criteria provided, single submitter. Criteria: Invitae Variant Classification Sherloc (09022015). Collection method: clinical testing. Allele origin: germline.
Comment: In summary, the available evidence is currently insufficient to determine the role of this variant in disease. Therefore, it has been classified as a Variant of Uncertain Significance. Experimental studies and prediction algorithms are not available or were not evaluated, and the functional significance of this variant is currently unknown. This variant has not been reported in the literature in individuals with ARMC4-related conditions. This variant results in a copy number gain of the genomic region encompassing exon(s) 20 of the ARMC4 gene. The 5' boundary is likely confined to intron 19. The 3' end of this event is unknown as it extends beyond the assayed region for this gene and therefore may encompass additional genes. As the precise location of this event is unknown, it may be in tandem or it may be located elsewhere in the genome.